The following is an entry in ClinVar:

ClinVar aggregate classification (germline): Uncertain significance (1 of 4 stars; one submission).

Conditions:
Deficiency of alpha-mannosidase (MANSA). Also called: Alpha-Mannosidosis; Mannosidosis, alpha-, types I and II; LYSOSOMAL ALPHA-D-MANNOSIDASE DEFICIENCY. Identifiers: Orphanet 61, MedGen C0024748, MONDO:0009561, OMIM 248500.

Submission:

Labcorp Genetics (formerly Invitae), Labcorp
Classification: Uncertain significance for Deficiency of alpha-mannosidase. Last evaluated: 2020-02-27. Review status: criteria provided, single submitter. Criteria: Invitae Variant Classification Sherloc (09022015). Collection method: clinical testing. Allele origin: germline.
Comment: In summary, the available evidence is currently insufficient to determine the role of this variant in disease. Therefore, it has been classified as a Variant of Uncertain Significance. Algorithms developed to predict the effect of missense changes on protein structure and function output the following: SIFT: "Tolerated"; PolyPhen-2: "Benign"; Align-GVGD: "Class C0". The isoleucine amino acid residue is found in multiple mammalian species, suggesting that this missense change does not adversely affect protein function. These predictions have not been confirmed by published functional studies and their clinical significance is uncertain. This variant has not been reported in the literature in individuals with MAN2B1-related conditions. This variant is not present in population databases (ExAC no frequency). This sequence change replaces threonine with isoleucine at codon 971 of the MAN2B1 protein (p.Thr971Ile). The threonine residue is weakly conserved and there is a moderate physicochemical difference between threonine and isoleucine.

NM_000528.4(MAN2B1):c.2912C>T (p.Thr971Ile)

Gene: MAN2B1 (mannosidase alpha class 2B member 1; minus strand). Cytogenetic location: 19p13.13.
Variant type: single nucleotide variant.
Coding change: c.2912C>T on transcript NM_000528.4 (MANE Select); coding-DNA position 2912, C replaced by T.
Protein change: p.Thr971Ile; replaces threonine 971 with isoleucine.
Molecular consequence: missense variant.
Genome position (GRCh38, 1-based): chr19:12,647,244, G>A on the plus strand (C>T on the coding strand, the complement: MAN2B1 is on the minus strand). VCF-style: chr19-12647244-G-A. GRCh37 (hg19) VCF-style: chr19-12758058-G-A.
Other names: c.2909C>T, p.Thr970Ile (NM_001173498.2); short protein forms T970I, T971I.
Identifiers: ClinVar variation 1008483 (VCV001008483.8), dbSNP rs2023709677, ClinGen allele CA404237219.
Genomic context (GRCh38, chr19:12,647,244, plus strand): 5'-GGCCCCAGGTAAGACTCCACCCCTTCCCTACCCCTGACCAGGGCCCCACCTGTGTTTGTT[G>A]TCCACTTGAGCCTGGAGGCTGCCTCGCGGAGCTGGTTGGCCACCAGCGTGGTCTCCTGCA-3'
Protein context (NP_000519.2, residues 961-981): LREAASRLKW[Thr971Ile]TNTGPTPHQT